The following is an entry in ClinVar:

NM_004859.4(CLTC):c.4730T>C (p.Leu1577Ser)

Gene: CLTC (clathrin heavy chain; plus strand). Cytogenetic location: 17q23.1.
Variant type: single nucleotide variant.
Coding change: c.4730T>C on transcript NM_004859.4 (MANE Select); coding-DNA position 4730, T replaced by C.
Protein change: p.Leu1577Ser; replaces leucine 1577 with serine.
Molecular consequence: missense variant.
Genome position (GRCh38, 1-based): chr17:59,685,711, T>C. VCF-style: chr17-59685711-T-C. GRCh37 (hg19) VCF-style: chr17-57763072-T-C.
Other names: c.4742T>C, p.Leu1581Ser (NM_001288653.2); short protein forms L1577S, L1581S.
Identifiers: ClinVar variation 4686498 (VCV004686498.1).

ClinVar aggregate classification (germline): Uncertain significance (1 of 4 stars; one submission).

Submission:

GeneDx
Classification: Uncertain significance. Last evaluated: 2025-07-19. Review status: criteria provided, single submitter. Criteria: GeneDx Variant Classification Process June 2021. Collection method: clinical testing. Allele origin: germline. Affected: yes.
Comment: Not observed at significant frequency in large population cohorts (gnomAD); In silico analysis supports that this missense variant has a deleterious effect on protein structure/function; Has not been previously published as pathogenic or benign to our knowledge